The following is an entry in ClinVar:

ClinVar aggregate classification (germline): Uncertain significance (1 of 4 stars; one submission).

Conditions:
Hereditary spastic paraplegia 39 (SPG39). Also called: Spastic Paraplegia Type 39 (SPG39); SPASTIC PARAPLEGIA 39, AUTOSOMAL RECESSIVE. Identifiers: Orphanet 139480, MedGen C2677586, MONDO:0012787, OMIM 612020.

Submission:

Labcorp Genetics (formerly Invitae), Labcorp
Classification: Uncertain significance for Hereditary spastic paraplegia 39. Last evaluated: 2024-10-26. Review status: criteria provided, single submitter. Criteria: Invitae Variant Classification Sherloc (09022015). Collection method: clinical testing. Allele origin: germline.
Comment: This sequence change replaces glycine, which is neutral and non-polar, with valine, which is neutral and non-polar, at codon 866 of the PNPLA6 protein (p.Gly866Val). This variant is not present in population databases (gnomAD no frequency). This variant has not been reported in the literature in individuals affected with PNPLA6-related conditions. ClinVar contains an entry for this variant (Variation ID: 2127442). Invitae Evidence Modeling of protein sequence and biophysical properties (such as structural, functional, and spatial information, amino acid conservation, physicochemical variation, residue mobility, and thermodynamic stability) indicates that this missense variant is not expected to disrupt PNPLA6 protein function with a negative predictive value of 80%. In summary, the available evidence is currently insufficient to determine the role of this variant in disease. Therefore, it has been classified as a Variant of Uncertain Significance.

NM_001166114.2(PNPLA6):c.2711G>T (p.Gly904Val)

Gene: PNPLA6 (patatin like domain 6, lysophospholipase; plus strand). Cytogenetic location: 19p13.2.
Variant type: single nucleotide variant.
Coding change: c.2711G>T on transcript NM_001166114.2 (MANE Select); coding-DNA position 2711, G replaced by T.
Protein change: p.Gly904Val; replaces glycine 904 with valine.
Molecular consequence: missense variant.
Genome position (GRCh38, 1-based): chr19:7,554,969, G>T. VCF-style: chr19-7554969-G-T. GRCh37 (hg19) VCF-style: chr19-7619855-G-T.
Other names: c.2741G>T, p.Gly914Val (NM_001166111.2); c.2516G>T, p.Gly839Val (NM_001166112.2); c.2597G>T, p.Gly866Val (NM_001166113.1, NM_006702.5); short protein forms G866V, G904V, G839V, G914V.
Identifiers: ClinVar variation 2127442 (VCV002127442.4), dbSNP rs1256533280, ClinGen allele CA403129665.
Genomic context (GRCh38, chr19:7,554,969, plus strand): 5'-AGAACACGGCTGTGCGCGCCCTTAAGCAGCTAGTCCTGCTCCACCGAGAGGAGGGCGCGG[G>T]CCCCACGCGCACCGTGGAGTGGCTAAATATGCGCAGCTGGTGCTCGGGGCACCTGCACCT-3'
Protein context (NP_001159586.1, residues 894-914): LVLLHREEGA[Gly904Val]PTRTVEWLNM